The following is an entry in ClinVar:

NM_001375808.2(LPIN2):c.1203T>G (p.Asp401Glu)

Gene: LPIN2 (lipin 2; minus strand). Cytogenetic location: 18p11.31.
Variant type: single nucleotide variant.
Coding change: c.1203T>G on transcript NM_001375808.2 (MANE Select); coding-DNA position 1203, T replaced by G.
Protein change: p.Asp401Glu; replaces aspartic acid 401 with glutamic acid.
Molecular consequence: missense variant.
Genome position (GRCh38, 1-based): chr18:2,934,416, A>C on the plus strand (T>G on the coding strand, the complement: LPIN2 is on the minus strand). VCF-style: chr18-2934416-A-C. GRCh37 (hg19) VCF-style: chr18-2934414-A-C.
Other names: c.1203T>G, p.Asp401Glu (NM_001375809.1, NM_014646.2); short protein forms D401E.
Identifiers: ClinVar variation 536349 (VCV000536349.9), dbSNP rs1018736752, ClinGen allele CA295504638.
Genomic context (GRCh38, chr18:2,934,416, plus strand): 5'-AGGGAAATAAAGAGCTGCAACTTCAGGTTCTAGACCCTTTAAGTCATCAAGGTAAATATC[A>C]TCAGGTCCCTGGTGTTGGCTTCTTTTGTGAACACCTGTTTAAAAAAAAAATCAGAGGTAA-3'
Protein context (NP_001362737.1, residues 391-411): VHKRSQHQGP[Asp401Glu]DIYLDDLKGL

ClinVar aggregate classification (germline): Uncertain significance (1 of 4 stars; one submission).

Conditions:
Majeed syndrome (MJDS). Also called: LPIN2-Related Majeed Syndrome; CHRONIC RECURRENT MULTIFOCAL OSTEOMYELITIS 1, WITH CONGENITAL DYSERYTHROPOIETIC ANEMIA, WITH OR WITHOUT NEUTROPHILIC DERMATOSIS. Identifiers: Orphanet 77297, MedGen C1864997, MONDO:0012316, OMIM 609628.

Submission:

Labcorp Genetics (formerly Invitae), Labcorp
Classification: Uncertain significance for Majeed syndrome. Last evaluated: 2022-06-18. Review status: criteria provided, single submitter. Criteria: Invitae Variant Classification Sherloc (09022015). Collection method: clinical testing. Allele origin: germline.
Comment: Algorithms developed to predict the effect of missense changes on protein structure and function output the following: SIFT: "Tolerated"; PolyPhen-2: "Benign"; Align-GVGD: "Class C0". The glutamic acid amino acid residue is found in multiple mammalian species, which suggests that this missense change does not adversely affect protein function. In summary, the available evidence is currently insufficient to determine the role of this variant in disease. Therefore, it has been classified as a Variant of Uncertain Significance. ClinVar contains an entry for this variant (Variation ID: 536349). This variant has not been reported in the literature in individuals affected with LPIN2-related conditions. This variant is not present in population databases (gnomAD no frequency). This sequence change replaces aspartic acid, which is acidic and polar, with glutamic acid, which is acidic and polar, at codon 401 of the LPIN2 protein (p.Asp401Glu).